The following is an entry in ClinVar:

NM_000440.3(PDE6A):c.465C>T (p.Asn155=)

Gene: PDE6A (phosphodiesterase 6A; minus strand). Cytogenetic location: 5q32.
Variant type: single nucleotide variant.
Coding change: c.465C>T on transcript NM_000440.3 (MANE Select); coding-DNA position 465, C replaced by T.
Protein change: p.Asn155=; no amino-acid change (asparagine 155 retained).
Molecular consequence: synonymous variant.
Genome position (GRCh38, 1-based): chr5:149,944,209, G>A on the plus strand (C>T on the coding strand, the complement: PDE6A is on the minus strand). VCF-style: chr5-149944209-G-A. GRCh37 (hg19) VCF-style: chr5-149323772-G-A.
Other names: p.N155N:AAC>AAT.
Identifiers: ClinVar variation 138632 (VCV000138632.18), dbSNP rs2277926, ClinGen allele CA200312.
Genomic context (GRCh38, chr5:149,944,209, plus strand): 5'-AACTCCATGTAATAATGCCCCATGCCCTCTCTCTCATGGGGAAGAGAGTACCTCCTCTGT[G>A]TTGGGGACGTTAGCAATCTTCTTAGAGTGTGCGACATGGCCCACGATGCCCATGTCCAAA-3'
Protein context (NP_000431.2, residues 145-165): AHSKKIANVP[Asn155=]TEEDEHFCDF

ClinVar aggregate classification (germline): Benign. Review status: criteria provided, multiple submitters, no conflicts (2 of 4 stars). 5 submissions from 5 submitters: Benign (5). Last evaluated 2026-02-03.

Conditions:
Retinal dystrophy. Also called: Inherited retinal dystrophy. Identifiers: Orphanet 71862, MedGen C0854723, MeSH D058499, MONDO:0019118, HP:0000556.
Retinitis pigmentosa (RP). Identifiers: Orphanet 791, MedGen C0035334, MeSH D012174, MONDO:0019200, OMIM 268000. Inheritance: Autosomal dominant, autosomal recessive and X linked inheritance.

Allele frequency attached by ClinVar (database versions not stated): gnomAD exomes 0.16847 and 0.20156; ESP Exome Variant Server 0.17546; gnomAD 0.18879 and 0.19268; TOPMed 0.19918; ExAC 0.19982; 1000 Genomes Project 0.24900; 1000 Genomes Project 30x 0.25250.
gnomAD v4.1: 275,246 of 1,610,876 alleles (17%); highest among the groups gnomAD compares: South Asian, 29%; 25,458 homozygotes.

Submissions (5):

Labcorp Genetics (formerly Invitae), Labcorp
Classification: Benign. Last evaluated: 2026-02-03. Review status: criteria provided, single submitter. Criteria: Invitae Variant Classification Sherloc (09022015). Collection method: clinical testing. Allele origin: germline.

Dept Of Ophthalmology, Nagoya University
Classification: Benign for Retinal dystrophy. Last evaluated: 2023-10-01. Review status: criteria provided, single submitter. Criteria: Submitter's publication. Collection method: research. Allele origin: germline. Affected: yes.

Illumina Laboratory Services, Illumina
Classification: Benign for Retinitis pigmentosa. Last evaluated: 2018-01-13. Review status: criteria provided, single submitter. Criteria: ICSL Variant Classification Criteria 13 December 2019. Collection method: clinical testing. Allele origin: germline.
Comment: This variant was observed in the ICSL laboratory as part of a predisposition screen in an ostensibly healthy population. It had not been previously curated by ICSL or reported in the Human Gene Mutation Database (HGMD: prior to June 1st, 2018), and was therefore a candidate for classification through an automated scoring system. Utilizing variant allele frequency, disease prevalence and penetrance estimates, and inheritance mode, an automated score was calculated to assess if this variant is too frequent to cause the disease. Based on the score and internal cut-off values, a variant classified as benign is not then subjected to further curation. The score for this variant resulted in a classification of benign for this disease.

Eurofins Ntd Llc (ga)
Classification: Benign. Last evaluated: 2014-11-23. Review status: criteria provided, single submitter. Criteria: EGL Classification Definitions 2015. Collection method: clinical testing. Allele origin: germline. Observed: 1 variant allele, 1 heterozygote.

GeneDx
Classification: Benign. Last evaluated: 2011-07-05. Review status: criteria provided, single submitter. Criteria: GeneDx Variant Classification (06012015). Collection method: clinical testing. Allele origin: germline. Affected: yes.
Comment: This variant is considered likely benign or benign based on one or more of the following criteria: it is a conservative change, it occurs at a poorly conserved position in the protein, it is predicted to be benign by multiple in silico algorithms, and/or has population frequency not consistent with disease.